The following is an entry in ClinVar:

NM_201596.3(CACNB2):c.121-3_121-2insTTTTTTTTTTTTTTTTTTTTTTTTTTT

Gene: CACNB2 (calcium voltage-gated channel auxiliary subunit beta 2; plus strand). Cytogenetic location: 10p12.33.
Variant type: Insertion.
Coding change: c.121-3_121-2insTTTTTTTTTTTTTTTTTTTTTTTTTTT on transcript NM_201596.3 (MANE Select); 3 bases into the intron before coding-DNA position 121 through the canonical splice acceptor site of the intron before coding-DNA position 121, TTTTTTTTTTTTTTTTTTTTTTTTTTT inserted.
Molecular consequence: intron variant.
Genome position: GRCh38 VCF-style: chr10-18150855-C-CTTTTTTTTTTTTTTTTTTTTTTTTTTT. GRCh37 (hg19) VCF-style: chr10-18439784-C-CTTTTTTTTTTTTTTTTTTTTTTTTTTT.
Other names: c.37-3_37-2insTTTTTTTTTTTTTTTTTTTTTTTTTTT (NM_201571.4, NM_001167945.2, NM_201572.4); c.121-3_121-2insTTTTTTTTTTTTTTTTTTTTTTTTTTT (NM_201593.3, NM_201597.3).
Identifiers: ClinVar variation 2640339 (VCV002640339.24), dbSNP rs71402148, ClinGen allele CA925458613.
Genomic context (GRCh38, chr10:18,150,855, plus strand): 5'-GACATTTTCTGCAACTAGGCCTACATTCCTGTTAAAGGGTCTCATAATAATCTTATTTGT[C>CTTTTTTTTTTTTTTTTTTTTTTTTTTT]TTTTTTTTTTTTTTTTTTTTTTTTTAGTCATATGGAAAAGGAGCCAGAAGGAAAAACAGA-3'

ClinVar aggregate classification (germline): Benign (1 of 4 stars; one submission).

Submission:

CeGaT Center for Human Genetics Tuebingen
Classification: Benign. Last evaluated: 2022-12-01. Review status: criteria provided, single submitter. Criteria: CeGaT Center For Human Genetics Tuebingen Variant Classification Criteria Version 2. Collection method: clinical testing. Allele origin: germline. Affected: yes. Observed: 1 variant allele.
Comment: CACNB2: BS1, BS2